The following is an entry in ClinVar:

NM_000312.4(PROC):c.262+5G>A

Gene: PROC (protein C, inactivator of coagulation factors Va and VIIIa; plus strand). Cytogenetic location: 2q14.3.
Variant type: single nucleotide variant.
Coding change: c.262+5G>A on transcript NM_000312.4 (MANE Select); 5 bases into the intron after coding-DNA position 262, G replaced by A.
Molecular consequence: intron variant. On other transcripts: synonymous variant (1).
Genome position (GRCh38, 1-based): chr2:127,422,946, G>A. VCF-style: chr2-127422946-G-A. GRCh37 (hg19) VCF-style: chr2-128180522-G-A.
Other names: c.330G>A, p.Glu110= (NM_001375606.1); c.262+5G>A (NM_001375611.1, NM_001375605.1, NM_001375608.1 and 1 more transcripts); c.445+5G>A (NM_001375602.1); c.346+5G>A (NM_001375607.1); c.256+5G>A (NM_001375610.1); c.325+5G>A (NM_001375603.1, NM_001375604.1); c.238+5G>A (NM_001375609.1).
Identifiers: ClinVar variation 3600637 (VCV003600637.1).

ClinVar aggregate classification (germline): Likely pathogenic (1 of 4 stars; one submission).

gnomAD v4.1: 2 of 1,598,688 alleles (0.00013%); highest among the groups gnomAD compares: East Asian, 0.0023%; no homozygotes.

Submission:

GeneDx
Classification: Likely pathogenic. Last evaluated: 2024-07-21. Review status: criteria provided, single submitter. Criteria: GeneDx Variant Classification Process June 2021. Collection method: clinical testing. Allele origin: germline. Affected: yes.
Comment: Reported as a heterozygous variant in four individuals from two families with protein C deficiency (PMID: 31821907); Not observed at significant frequency in large population cohorts (gnomAD); In silico analysis supports a deleterious effect on splicing; This variant is associated with the following publications: (PMID: 31821907)